The following is an entry in ClinVar:

ClinVar aggregate classification (germline): Uncertain significance (1 of 4 stars; one submission).

Conditions:
Diamond-Blackfan anemia. Also called: Blackfan Diamond syndrome; Aregenerative anemia chronic congenital; Red cell aplasia, pure hereditary; Congenital hypoplastic anemia; Aase syndrome. Identifiers: Orphanet 124, MedGen C1260899, MeSH D029503, MONDO:0015253, HP:0004810.

Allele frequency attached by ClinVar (database versions not stated): TOPMed below 0.00001; gnomAD exomes 0.00001.
gnomAD v4.1: 9 of 1,612,208 alleles (0.00056%); highest among the groups gnomAD compares: Non-Finnish European, 0.00059%; no homozygotes.

Submission:

Labcorp Genetics (formerly Invitae), Labcorp
Classification: Uncertain significance for Diamond-Blackfan anemia. Last evaluated: 2025-10-03. Review status: criteria provided, single submitter. Criteria: Invitae Variant Classification Sherloc (09022015). Collection method: clinical testing. Allele origin: germline.
Comment: This sequence change replaces valine, which is neutral and non-polar, with alanine, which is neutral and non-polar, at codon 204 of the RPL5 protein (p.Val204Ala). This variant is not present in population databases (gnomAD no frequency). This variant has not been reported in the literature in individuals affected with RPL5-related conditions. ClinVar contains an entry for this variant (Variation ID: 1444381). Invitae Evidence Modeling of protein sequence and biophysical properties (such as structural, functional, and spatial information, amino acid conservation, physicochemical variation, residue mobility, and thermodynamic stability) indicates that this missense variant is expected to disrupt RPL5 protein function with a positive predictive value of 80%. In summary, the available evidence is currently insufficient to determine the role of this variant in disease. Therefore, it has been classified as a Variant of Uncertain Significance.

NM_000969.5(RPL5):c.611T>C (p.Val204Ala)

Genes: DIPK1A (divergent protein kinase domain 1A; minus strand), RPL5 (ribosomal protein L5; plus strand). Cytogenetic location: 1p22.1.
Variant type: single nucleotide variant.
Coding change: c.611T>C on transcript NM_000969.5 (MANE Select); coding-DNA position 611, T replaced by C.
Protein change: p.Val204Ala; replaces valine 204 with alanine.
Molecular consequence: missense variant. On other transcripts: non-coding transcript variant (1), intron variant (1).
Genome position (GRCh38, 1-based): chr1:92,837,539, T>C. VCF-style: chr1-92837539-T-C. GRCh37 (hg19) VCF-style: chr1-93303096-T-C.
Other names: c.475-4505A>G (NM_001252273.2); short protein forms V204A.
Identifiers: ClinVar variation 1444381 (VCV001444381.6), dbSNP rs1687176905, ClinGen allele CA341242949.